The following is an entry in ClinVar:

ClinVar aggregate classification (germline): Likely benign (0 of 4 stars; one submission).

Conditions:
PREPL-related disorder. Also called: PREPL-related condition.

Allele frequency attached by ClinVar (database versions not stated): gnomAD exomes below 0.00001; TOPMed below 0.00001; ESP Exome Variant Server 0.00008.
gnomAD v4.1: 4 of 1,585,948 alleles (0.00025%); highest among the groups gnomAD compares: Non-Finnish European, 0.00035%; no homozygotes.

Submission:

PreventionGenetics, part of Exact Sciences
Classification: Likely benign for PREPL-related condition. Last evaluated: 2022-10-17. Review status: no assertion criteria provided. Collection method: clinical testing. Allele origin: germline.
Comment: This variant is classified as likely benign based on ACMG/AMP sequence variant interpretation guidelines (Richards et al. 2015 PMID: 25741868, with internal and published modifications).

NM_001171613.2(PREPL):c.-49+1660A>G

Gene: PREPL (prolyl endopeptidase like; minus strand). Cytogenetic location: 2p21.
Variant type: single nucleotide variant.
Coding change: c.-49+1660A>G on transcript NM_001171613.2 (MANE Select); 1660 bases into the intron after 49 bases upstream of the start codon, A replaced by G.
Molecular consequence: intron variant. On other transcripts: 5 prime UTR variant (7).
Genome position (GRCh38, 1-based): chr2:44,359,720, T>C on the plus strand (A>G on the coding strand, the complement: PREPL is on the minus strand). VCF-style: chr2-44359720-T-C. GRCh37 (hg19) VCF-style: chr2-44586859-T-C.
Other names: c.-5A>G (NM_001042385.2, NM_001042386.2, NM_001171603.1 and 4 more transcripts); c.-49+1804A>G (NM_001171617.1); c.-49+1697A>G (NM_001374277.1).
Identifiers: ClinVar variation 3061684 (VCV003061684.2), dbSNP rs368469256, ClinGen allele CA46568664.